The following is an entry in ClinVar:

ClinVar aggregate classification (germline): Uncertain significance. Review status: criteria provided, multiple submitters, no conflicts (2 of 4 stars). 5 submissions from 5 submitters: Uncertain significance (5). Last evaluated 2026-03-23.

Conditions:
Hypertrophic cardiomyopathy 26. Also called: Cardiomyopathy, familial hypertrophic, 26. Identifiers: Orphanet 75249, MedGen C4310749, MONDO:0014883, OMIM 617047.
Distal myopathy with posterior leg and anterior hand involvement. Also called: WILLIAMS DISTAL MYOPATHY. Identifiers: Orphanet 63273, MedGen C3279722, MONDO:0013550, OMIM 614065.
Myofibrillar myopathy 5. Also called: Filaminopathy (type); FILAMINOPATHY, AUTOSOMAL DOMINANT. Identifiers: Orphanet 171445, MedGen C1836050, MONDO:0012289, OMIM 609524.
Cardiovascular phenotype. Identifiers: MedGen CN230736.

Allele frequency attached by ClinVar (database versions not stated): ExAC 0.00001; gnomAD exomes 0.00001; TOPMed 0.00001.
gnomAD v4.1: 13 of 1,613,556 alleles (0.00081%); highest among the groups gnomAD compares: South Asian, 0.0011%; no homozygotes.

Submissions (5):

Institute of Human Genetics, University of Leipzig Medical Center
Classification: Uncertain significance for Hypertrophic cardiomyopathy 26. Last evaluated: 2026-03-23. Review status: criteria provided, single submitter. Criteria: ACMG Guidelines, 2015. Collection method: clinical testing. Allele origin: unknown. Inheritance: Autosomal dominant inheritance. Affected: yes.
Comment: Criteria applied: PM1_SUP,PM2_SUP,PP2,PP3

Labcorp Genetics (formerly Invitae), Labcorp
Classification: Uncertain significance for Distal myopathy with posterior leg and anterior hand involvement; Myofibrillar myopathy 5; Hypertrophic cardiomyopathy 26. Last evaluated: 2025-12-29. Review status: criteria provided, single submitter. Criteria: Invitae Variant Classification Sherloc (09022015). Collection method: clinical testing. Allele origin: germline.
Comment: This sequence change replaces glycine, which is neutral and non-polar, with serine, which is neutral and polar, at codon 2521 of the FLNC protein (p.Gly2521Ser). This variant also falls at the last nucleotide of exon 45, which is part of the consensus splice site for this exon. The frequency data for this variant in the population databases is considered unreliable, as metrics indicate poor data quality at this position in the gnomAD database. This variant has not been reported in the literature in individuals affected with FLNC-related conditions. ClinVar contains an entry for this variant (Variation ID: 1047343). An algorithm developed to predict the effect of missense changes on protein structure and function (PolyPhen-2) suggests that this variant is likely to be disruptive. Variants that disrupt the consensus splice site are a relatively common cause of aberrant splicing (PMID: 17576681, 9536098). In summary, the available evidence is currently insufficient to determine the role of this variant in disease. Therefore, it has been classified as a Variant of Uncertain Significance.

Ambry Genetics
Classification: Uncertain significance for Cardiovascular phenotype. Last evaluated: 2025-12-15. Review status: criteria provided, single submitter. Criteria: Ambry Variant Classification Scheme 2023. Collection method: clinical testing. Allele origin: germline.
Comment: The p.G2521S variant (also known as c.7561G>A), located in coding exon 45 of the FLNC gene, results from a G to A substitution at nucleotide position 7561. The amino acid change results in glycine to serine at codon 2521, an amino acid with similar properties. However, this change occurs in the last base pair of coding exon 45, which makes it likely to have some effect on normal mRNA splicing. This variant was reported in individual(s) with features consistent with hypertrophic cardiomyopathy (HCM) and in an exome secondary finding cohort (Bagnall RD et al. J Am Coll Cardiol, 2018 Jul;72:419-429; Stafford F et al. Genome Med, 2022 Dec;14:145; Hanna EM et al. PLoS One, 2025 Jul;20:e0327471). This nucleotide position is highly conserved in available vertebrate species. In silico splice site analysis predicts that this alteration will not have any significant effect on splicing. This amino acid position is highly conserved in available vertebrate species. In addition, as a missense substitution this is predicted to be deleterious by in silico analysis. Based on the available evidence, the clinical significance of this variant remains unclear.

Blueprint Genetics
Classification: Uncertain significance. Last evaluated: 2024-09-18. Review status: criteria provided, single submitter. Criteria: ACMG Guidelines, 2015. Collection method: clinical testing. Allele origin: germline.

Revvity Omics, Revvity
Classification: Uncertain significance. Last evaluated: 2023-03-17. Review status: criteria provided, single submitter. Criteria: ACMG Guidelines, 2015. Collection method: clinical testing. Allele origin: germline.

Literature cited by the submitters: PubMed 17576681 (cited by Labcorp Genetics (formerly Invitae), Labcorp); PubMed 9536098 (cited by Labcorp Genetics (formerly Invitae), Labcorp); PubMed 30025578 (cited by Ambry Genetics); PubMed 36578016 (cited by Ambry Genetics); PubMed 40679974 (cited by Ambry Genetics).

NM_001458.5(FLNC):c.7561G>A (p.Gly2521Ser)

Genes: FLNC-AS1 (FLNC antisense RNA 1; minus strand), FLNC (filamin C; plus strand). Cytogenetic location: 7q32.1.
Variant type: single nucleotide variant.
Coding change: c.7561G>A on transcript NM_001458.5 (MANE Select); coding-DNA position 7561, G replaced by A.
Protein change: p.Gly2521Ser; replaces glycine 2521 with serine.
Molecular consequence: missense variant.
Genome position (GRCh38, 1-based): chr7:128,856,921, G>A. VCF-style: chr7-128856921-G-A. GRCh37 (hg19) VCF-style: chr7-128496975-G-A.
Other names: c.7462G>A, p.Gly2488Ser (NM_001127487.2); short protein forms G2488S, G2521S.
Identifiers: ClinVar variation 1047343 (VCV001047343.17), dbSNP rs746969946, ClinGen allele CA4476293.